The following is an entry in ClinVar:

NM_000059.4(BRCA2):c.4696A>G (p.Thr1566Ala)

Gene: BRCA2 (BRCA2 DNA repair associated; plus strand). Cytogenetic location: 13q13.1.
Variant type: single nucleotide variant.
Coding change: c.4696A>G on transcript NM_000059.4 (MANE Select); coding-DNA position 4696, A replaced by G.
Protein change: p.Thr1566Ala; replaces threonine 1566 with alanine.
Molecular consequence: missense variant.
Genome position (GRCh38, 1-based): chr13:32,339,051, A>G. VCF-style: chr13-32339051-A-G. GRCh37 (hg19) VCF-style: chr13-32913188-A-G.
Other names: short protein forms T1566A.
Identifiers: ClinVar variation 462354 (VCV000462354.23), dbSNP rs1555283904, ClinGen allele CA387782881.

ClinVar aggregate classification (germline): Conflicting classifications of pathogenicity. Review status: criteria provided, conflicting classifications (1 of 4 stars). 6 submissions from 6 submitters: Uncertain significance (4); Likely benign (2). Last evaluated 2025-07-28.

Conditions:
Hereditary cancer-predisposing syndrome. Also called: Neoplastic Syndromes, Hereditary; Hereditary Cancer Syndrome; Hereditary neoplastic syndrome; Tumor predisposition. Identifiers: Orphanet 140162, MedGen C0027672, MeSH D009386, MONDO:0015356.
Hereditary breast ovarian cancer syndrome. Also called: Hereditary breast and ovarian cancer syndrome (HBOC); Hereditary breast and ovarian cancer syndrome; Breast and ovarian cancer; Hereditary breast and/or ovarian cancer syndrome; Hereditary breast and ovarian cancer; BRCA1- and BRCA2-Associated Hereditary Breast and Ovarian Cancer. Identifiers: Orphanet 145, MedGen C0677776, MeSH D061325, MONDO:0003582. Disease mechanism: loss of function.
BRCA2-related cancer predisposition. Identifiers: MedGen CN377758, MONDO:0700269.

Allele frequency attached by ClinVar (database versions not stated): gnomAD exomes below 0.00001.
gnomAD v4.1: 5 of 1,614,008 alleles (0.00031%); highest among the groups gnomAD compares: Non-Finnish European, 0.00034%; no homozygotes.

Submissions (6):

Labcorp Genetics (formerly Invitae), Labcorp
Classification: Uncertain significance for Hereditary breast ovarian cancer syndrome. Last evaluated: 2025-07-28. Review status: criteria provided, single submitter. Criteria: Invitae Variant Classification Sherloc (09022015). Collection method: clinical testing. Allele origin: germline.
Comment: This sequence change replaces threonine, which is neutral and polar, with alanine, which is neutral and non-polar, at codon 1566 of the BRCA2 protein (p.Thr1566Ala). This variant is not present in population databases (gnomAD no frequency). This missense change has been observed in individual(s) with breast cancer and/or ovarian cancer (PMID: 18284688, 32772980). ClinVar contains an entry for this variant (Variation ID: 462354). Invitae Evidence Modeling of protein sequence and biophysical properties (such as structural, functional, and spatial information, amino acid conservation, physicochemical variation, residue mobility, and thermodynamic stability) indicates that this missense variant is not expected to disrupt BRCA2 protein function with a negative predictive value of 95%. In summary, the available evidence is currently insufficient to determine the role of this variant in disease. Therefore, it has been classified as a Variant of Uncertain Significance.

Center for Genomic Medicine, Rigshospitalet, Copenhagen University Hospital
Classification: Uncertain significance. Last evaluated: 2025-03-04. Review status: criteria provided, single submitter. Criteria: ACMG Guidelines, 2015. Collection method: clinical testing. Allele origin: germline.

Ambry Genetics
Classification: Likely benign for Hereditary cancer-predisposing syndrome. Last evaluated: 2024-08-19. Review status: criteria provided, single submitter. Criteria: Ambry Variant Classification Scheme 2023. Collection method: clinical testing. Allele origin: germline.

All of Us Research Program, National Institutes of Health
Classification: Uncertain significance for BRCA2-related cancer predisposition. Last evaluated: 2024-06-09. Review status: criteria provided, single submitter. Criteria: ACMG Guidelines, 2015. Collection method: clinical testing. Allele origin: germline. Inheritance: Autosomal dominant inheritance. Observed: 8 variant alleles, 8 heterozygotes.
Comment: This missense variant replaces threonine with alanine at codon 1566 of the BRCA2 protein. Computational prediction suggests that this variant may not impact protein structure and function (internally defined REVEL score threshold <= 0.5, PMID: 27666373). To our knowledge, functional studies have not been reported for this variant. This variant has been reported in two individuals affected with breast or ovarian cancer (PMID: 18284688, 32772980). This variant has not been identified in the general population by the Genome Aggregation Database (gnomAD). The available evidence is insufficient to determine the role of this variant in disease conclusively. Therefore, this variant is classified as a Variant of Uncertain Significance.

This study involves interpretation of variants in research participants for the purpose of population health screening. Participant phenotype was not available at the time of variant classification. Additional details can be found in publication PMID: 35346344, PMCID: PMC8962531

Color Diagnostics, LLC DBA Color Health
Classification: Uncertain significance for Hereditary cancer-predisposing syndrome. Last evaluated: 2024-05-23. Review status: criteria provided, single submitter. Criteria: ACMG Guidelines, 2015. Collection method: clinical testing. Allele origin: germline.
Comment: This missense variant replaces threonine with alanine at codon 1566 of the BRCA2 protein. Computational prediction suggests that this variant may not impact protein structure and function. To our knowledge, functional studies have not been reported for this variant. This variant has been reported in at least two individuals affected with breast or ovarian cancer (PMID: 18284688, 32772980, 38709234). This variant has not been identified in the general population by the Genome Aggregation Database (gnomAD). The available evidence is insufficient to determine the role of this variant in disease conclusively. Therefore, this variant is classified as a Variant of Uncertain Significance.

University of Washington Department of Laboratory Medicine, University of Washington
Classification: Likely benign for Hereditary cancer-predisposing syndrome. Last evaluated: 2023-03-23. Review status: criteria provided, single submitter. Criteria: Dines et al. (Genet Med. 2020). Collection method: curation. Allele origin: germline.
Comment: Missense variant in a coldspot region where missense variants are very unlikely to be pathogenic (PMID:31911673).

BRCA2 exon 11 coldspot. Reclassification based on statistical prior probability.

Literature cited by the submitters: PubMed 18284688 (cited by 4 submitters); PubMed 32772980 (cited by 5 submitters); PubMed 38709234 (cited by Color Diagnostics, LLC DBA Color Health).